The following is an entry in ClinVar:

ClinVar aggregate classification (germline): Uncertain significance (1 of 4 stars; one submission).

Conditions:
Peroxisome biogenesis disorder 2B (PBD2B). Identifiers: Orphanet 44, MedGen C3550234, MONDO:0008736, OMIM 202370.

Allele frequency attached by ClinVar (database versions not stated): gnomAD exomes below 0.00001.
gnomAD v4.1: 2 of 1,614,226 alleles (0.00012%); highest among the groups gnomAD compares: Non-Finnish European, 0.00017%; no homozygotes.

Submission:

Labcorp Genetics (formerly Invitae), Labcorp
Classification: Uncertain significance for Peroxisome biogenesis disorder 2B. Last evaluated: 2022-01-14. Review status: criteria provided, single submitter. Criteria: Invitae Variant Classification Sherloc (09022015). Collection method: clinical testing. Allele origin: germline.
Comment: This sequence change replaces glutamic acid, which is acidic and polar, with aspartic acid, which is acidic and polar, at codon 8 of the PEX5 protein (p.Glu8Asp). This variant is not present in population databases (gnomAD no frequency). This variant has not been reported in the literature in individuals affected with PEX5-related conditions. Algorithms developed to predict the effect of missense changes on protein structure and function (SIFT, PolyPhen-2, Align-GVGD) all suggest that this variant is likely to be tolerated. In summary, the available evidence is currently insufficient to determine the role of this variant in disease. Therefore, it has been classified as a Variant of Uncertain Significance.

NM_001351132.2(PEX5):c.24G>T (p.Glu8Asp)

Gene: PEX5 (peroxisomal biogenesis factor 5; plus strand). Cytogenetic location: 12p13.31.
Variant type: single nucleotide variant.
Coding change: c.24G>T on transcript NM_001351132.2 (MANE Select); coding-DNA position 24, G replaced by T.
Protein change: p.Glu8Asp; replaces glutamic acid 8 with aspartic acid.
Molecular consequence: missense variant.
Genome position (GRCh38, 1-based): chr12:7,190,401, G>T. VCF-style: chr12-7190401-G-T. GRCh37 (hg19) VCF-style: chr12-7342997-G-T.
Other names: c.24G>T, p.Glu8Asp (NM_000319.5, NM_001131023.2, NM_001131024.2 and 22 more transcripts); short protein forms E8D.
Identifiers: ClinVar variation 1472706 (VCV001472706.8), dbSNP rs1488661702, ClinGen allele CA383707060.